The following is an entry in ClinVar:

ClinVar aggregate classification (germline): Likely benign (1 of 4 stars; one submission).

gnomAD v4.1: 1 of 1,611,936 alleles (0.000062%); highest among the groups gnomAD compares: Admixed American, 0.0017%; no homozygotes.

Submission:

CeGaT Center for Human Genetics Tuebingen
Classification: Likely benign. Last evaluated: 2025-07-01. Review status: criteria provided, single submitter. Criteria: CeGaT Center For Human Genetics Tuebingen Variant Classification Criteria Version 2. Collection method: clinical testing. Allele origin: germline. Affected: yes. Observed: 1 variant allele.
Comment: MPHOSPH9: BP4, BP7

NM_022782.4(MPHOSPH9):c.2142A>G (p.Lys714=)

Gene: MPHOSPH9 (M-phase phosphoprotein 9; minus strand). Cytogenetic location: 12q24.31.
Variant type: single nucleotide variant.
Coding change: c.2142A>G on transcript NM_022782.4 (MANE Select); coding-DNA position 2142, A replaced by G.
Protein change: p.Lys714=; no amino-acid change (lysine 714 retained).
Molecular consequence: synonymous variant. On other transcripts: non-coding transcript variant (1).
Genome position (GRCh38, 1-based): chr12:123,194,485, T>C on the plus strand (A>G on the coding strand, the complement: MPHOSPH9 is on the minus strand). VCF-style: chr12-123194485-T-C. GRCh37 (hg19) VCF-style: chr12-123679032-T-C.
Identifiers: ClinVar variation 4085517 (VCV004085517.8).